The following is an entry in ClinVar:

ClinVar aggregate classification (germline): Uncertain significance (1 of 4 stars; one submission).

Conditions:
Familial thoracic aortic aneurysm and aortic dissection (TAAD). Also called: Thoracic aortic aneurysms and dissections. Identifiers: Orphanet 91387, MedGen C4707243, MONDO:0019625.

Submission:

Ambry Genetics
Classification: Uncertain significance for Familial thoracic aortic aneurysm and aortic dissection. Last evaluated: 2026-05-17. Review status: criteria provided, single submitter. Criteria: Ambry Variant Classification Scheme 2023. Collection method: clinical testing. Allele origin: germline.
Comment: The p.V642I variant (also known as c.1924G>A), located in coding exon 18 of the PLOD1 gene, results from a G to A substitution at nucleotide position 1924. The valine at codon 642 is replaced by isoleucine, an amino acid with highly similar properties. This amino acid position is conserved. In addition, the in silico prediction for this alteration is inconclusive. Based on the available evidence, the clinical significance of this variant remains unclear.

NM_000302.4(PLOD1):c.1924G>A (p.Val642Ile)

Gene: PLOD1 (procollagen-lysine,2-oxoglutarate 5-dioxygenase 1; plus strand). Cytogenetic location: 1p36.22.
Variant type: single nucleotide variant.
Coding change: c.1924G>A on transcript NM_000302.4 (MANE Select); coding-DNA position 1924, G replaced by A.
Protein change: p.Val642Ile; replaces valine 642 with isoleucine.
Molecular consequence: missense variant.
Genome position (GRCh38, 1-based): chr1:11,972,893, G>A. VCF-style: chr1-11972893-G-A. GRCh37 (hg19) VCF-style: chr1-12032950-G-A.
Other names: c.2065G>A, p.Val689Ile (NM_001316320.2); short protein forms V642I, V689I.
Identifiers: ClinVar variation 4862069 (VCV004862069.1).